The following is an entry in ClinVar:

ClinVar aggregate classification (germline): Uncertain significance (1 of 4 stars; one submission).

gnomAD v4.1: 2 of 1,613,826 alleles (0.00012%); highest among the groups gnomAD compares: South Asian, 0.0011%; no homozygotes.

Submission:

CeGaT Center for Human Genetics Tuebingen
Classification: Uncertain significance. Last evaluated: 2025-07-01. Review status: criteria provided, single submitter. Criteria: CeGaT Center For Human Genetics Tuebingen Variant Classification Criteria Version 2. Collection method: clinical testing. Allele origin: germline. Affected: yes. Observed: 1 variant allele.
Comment: FRAS1: PM2

NM_025074.7(FRAS1):c.-1G>A

Gene: FRAS1 (Fraser extracellular matrix complex subunit 1; plus strand). Cytogenetic location: 4q21.21.
Variant type: single nucleotide variant.
Coding change: c.-1G>A on transcript NM_025074.7 (MANE Select); 1 bases upstream of the start codon, G replaced by A.
Molecular consequence: 5 prime UTR variant.
Genome position (GRCh38, 1-based): chr4:78,058,009, G>A. VCF-style: chr4-78058009-G-A. GRCh37 (hg19) VCF-style: chr4-78979163-G-A.
Other names: c.-1G>A (NM_001166133.2).
Identifiers: ClinVar variation 4084287 (VCV004084287.8).